The following is an entry in ClinVar:

ClinVar aggregate classification (germline): Uncertain significance (1 of 4 stars; one submission).

Conditions:
Emery-Dreifuss muscular dystrophy 4, autosomal dominant (EDMD4). Also called: EMERY-DREIFUSS MUSCULAR DYSTROPHY 4 WITH VARIABLE FEATURES. Identifiers: Orphanet 261, MedGen C2751807, MONDO:0013071, OMIM 612998.
Autosomal recessive ataxia, Beauce type. Also called: SYNE1-Related Autosomal Recessive Cerebellar Ataxia; Spinocerebellar ataxia, autosomal recessive 8; ATAXIA, RECESSIVE, OF BEAUCE; SYNE1 Deficiency. Identifiers: Orphanet 88644, MedGen C1853116, MONDO:0012549, OMIM 610743.

Allele frequency attached by ClinVar (database versions not stated): TOPMed 0.00001; ExAC 0.00002; gnomAD 0.00003 and 0.00004; gnomAD exomes 0.00004.
gnomAD v4.1: 63 of 1,613,470 alleles (0.0039%); highest among the groups gnomAD compares: South Asian, 0.018%; no homozygotes.

Submission:

Labcorp Genetics (formerly Invitae), Labcorp
Classification: Uncertain significance for Emery-Dreifuss muscular dystrophy 4, autosomal dominant; Autosomal recessive ataxia, Beauce type. Last evaluated: 2023-08-04. Review status: criteria provided, single submitter. Criteria: Invitae Variant Classification Sherloc (09022015). Collection method: clinical testing. Allele origin: germline.
Comment: In summary, the available evidence is currently insufficient to determine the role of this variant in disease. Therefore, it has been classified as a Variant of Uncertain Significance. An algorithm developed to predict the effect of missense changes on protein structure and function (PolyPhen-2) suggests that this variant is likely to be disruptive. ClinVar contains an entry for this variant (Variation ID: 1373712). This variant has not been reported in the literature in individuals affected with SYNE1-related conditions. This variant is present in population databases (rs779239788, gnomAD 0.03%). This sequence change replaces arginine, which is basic and polar, with glutamine, which is neutral and polar, at codon 177 of the SYNE1 protein (p.Arg177Gln).

NM_182961.4(SYNE1):c.509G>A (p.Arg170Gln)

Gene: SYNE1 (spectrin repeat containing nuclear envelope protein 1; minus strand). Cytogenetic location: 6q25.2.
Variant type: single nucleotide variant.
Coding change: c.509G>A on transcript NM_182961.4 (MANE Select); coding-DNA position 509, G replaced by A.
Protein change: p.Arg170Gln; replaces arginine 170 with glutamine.
Molecular consequence: missense variant.
Genome position (GRCh38, 1-based): chr6:152,510,265, C>T on the plus strand (G>A on the coding strand, the complement: SYNE1 is on the minus strand). VCF-style: chr6-152510265-C-T. GRCh37 (hg19) VCF-style: chr6-152831400-C-T.
Other names: c.530G>A, p.Arg177Gln (NM_033071.5); short protein forms R177Q, R170Q.
Identifiers: ClinVar variation 1373712 (VCV001373712.4), dbSNP rs779239788, ClinGen allele CA4059709.
Genomic context (GRCh38, chr6:152,510,265, plus strand): 5'-TACTGAACCCACTTTAATAAAGCCTTCTTAGCATTTCCTTGGATCTTGGTGGTCACCTTC[C>T]GTTTACTTGGTGGGCTGGGAGTCTCAGAGCTAACTATGCTGTCCACGGAGGATGCGCTGC-3'
Protein context (NP_892006.3, residues 160-180): SSETPSPPSK[Arg170Gln]KVTTKIQGNA